The following is an entry in ClinVar:

NM_001276270.2(MBD4):c.1613C>T (p.Ser538Phe)

Gene: MBD4 (methyl-CpG binding domain 4, DNA glycosylase; minus strand). Cytogenetic location: 3q21.3.
Variant type: single nucleotide variant.
Coding change: c.1613C>T on transcript NM_001276270.2 (MANE Select); coding-DNA position 1613, C replaced by T.
Protein change: p.Ser538Phe; replaces serine 538 with phenylalanine.
Molecular consequence: missense variant. On other transcripts: intron variant (1).
Genome position (GRCh38, 1-based): chr3:129,432,537, G>A on the plus strand (C>T on the coding strand, the complement: MBD4 is on the minus strand). VCF-style: chr3-129432537-G-A. GRCh37 (hg19) VCF-style: chr3-129151380-G-A.
Other names: c.1631C>T, p.Ser544Phe (NM_001276271.2, NM_003925.3); c.677C>T, p.Ser226Phe (NM_001276273.2); c.1612+19C>T (NM_001276272.2); short protein forms S226F, S544F, S538F.
Identifiers: ClinVar variation 4052172 (VCV004052172.1).

ClinVar aggregate classification (germline): Uncertain significance (1 of 4 stars; one submission).

Conditions:
Inborn genetic diseases. Identifiers: MedGen C0950123, MeSH D030342.

Submission:

Ambry Genetics
Classification: Uncertain significance for Inborn genetic diseases. Last evaluated: 2025-03-25. Review status: criteria provided, single submitter. Criteria: Ambry Variant Classification Scheme 2023. Collection method: clinical testing. Allele origin: germline.
Comment: The p.S538F variant (also known as c.1613C>T), located in coding exon 7 of the MBD4 gene, results from a C to T substitution at nucleotide position 1613. The serine at codon 538 is replaced by phenylalanine, an amino acid with highly dissimilar properties. This amino acid position is conserved. In addition, this alteration is predicted to be deleterious by in silico analysis. Based on the available evidence, the clinical significance of this variant remains unclear.